The following is an entry in ClinVar:

NM_001242882.2(NAXD):c.364A>G (p.Lys122Glu)

Gene: NAXD (NAD(P)HX dehydratase; plus strand). Cytogenetic location: 13q34.
Variant type: single nucleotide variant.
Coding change: c.364A>G on transcript NM_001242882.2 (MANE Select); coding-DNA position 364, A replaced by G.
Protein change: p.Lys122Glu; replaces lysine 122 with glutamic acid.
Molecular consequence: missense variant. On other transcripts: non-coding transcript variant (2).
Genome position (GRCh38, 1-based): chr13:110,627,470, A>G. VCF-style: chr13-110627470-A-G. GRCh37 (hg19) VCF-style: chr13-111279817-A-G.
Other names: c.418A>G, p.Lys140Glu (NM_001242881.2, NM_018210.4); c.88A>G, p.Lys30Glu (NM_001242883.2); c.418A>G (NM_018210.3); short protein forms K122E, K140E, K30E.
Identifiers: ClinVar variation 1165626 (VCV001165626.12), dbSNP rs3742191, ClinGen allele CA7051172.

ClinVar aggregate classification (germline): Benign. Review status: criteria provided, multiple submitters, no conflicts (2 of 4 stars). 3 submissions from 3 submitters: Benign (2). 1 of the submissions does not count toward it. Last evaluated 2026-02-03.

Conditions:
NAXD-related disorder. Also called: NAXD-related condition.

Allele frequency attached by ClinVar (database versions not stated): ESP Exome Variant Server 0.03352; gnomAD 0.03704 and 0.03952; gnomAD exomes 0.03786 and 0.04938; TOPMed 0.04125; ExAC 0.04950; 1000 Genomes Project 30x 0.05965; 1000 Genomes Project 0.06210.
gnomAD v4.1: 61,772 of 1,613,606 alleles (3.8%); highest among the groups gnomAD compares: East Asian, 10%; 1,501 homozygotes.

Submissions (3):

Labcorp Genetics (formerly Invitae), Labcorp
Classification: Benign. Last evaluated: 2026-02-03. Review status: criteria provided, single submitter. Criteria: Invitae Variant Classification Sherloc (09022015). Collection method: clinical testing. Allele origin: germline.

Breakthrough Genomics
Classification: Benign. Review status: criteria provided, single submitter. Criteria: ACMG Guidelines, 2015. Collection method: not provided. Allele origin: germline. Inheritance: Autosomal recessive inheritance. Affected: yes.

PreventionGenetics, part of Exact Sciences
Classification: Benign for NAXD-related condition. Last evaluated: 2019-08-21. Review status: no assertion criteria provided. Collection method: clinical testing. Allele origin: germline. Not counted in ClinVar's aggregate classification.
Comment: This variant is classified as benign based on ACMG/AMP sequence variant interpretation guidelines (Richards et al. 2015 PMID: 25741868, with internal and published modifications).